The following is an entry in ClinVar:

NM_016343.4(CENPF):c.1384A>G (p.Arg462Gly)

Gene: CENPF (centromere protein F; plus strand). Cytogenetic location: 1q41.
Variant type: single nucleotide variant.
Coding change: c.1384A>G on transcript NM_016343.4 (MANE Select); coding-DNA position 1384, A replaced by G.
Protein change: p.Arg462Gly; replaces arginine 462 with glycine.
Molecular consequence: missense variant.
Genome position (GRCh38, 1-based): chr1:214,632,540, A>G. VCF-style: chr1-214632540-A-G. GRCh37 (hg19) VCF-style: chr1-214805883-A-G.
Other names: short protein forms R462G.
Identifiers: ClinVar variation 1701004 (VCV001701004.2), dbSNP rs1657837003, ClinGen allele CA344815264.

ClinVar aggregate classification (germline): Uncertain significance (1 of 4 stars; one submission).

Allele frequency attached by ClinVar (database versions not stated): gnomAD exomes below 0.00001; TOPMed below 0.00001.
gnomAD v4.1: 1 of 1,614,182 alleles (0.000062%); highest among the groups gnomAD compares: Non-Finnish European, 0.000085%; no homozygotes.

Submission:

GeneDx
Classification: Uncertain significance. Last evaluated: 2022-02-15. Review status: criteria provided, single submitter. Criteria: GeneDx Variant Classification Process June 2021. Collection method: clinical testing. Allele origin: germline. Affected: yes.
Comment: Not observed at significant frequency in large population cohorts (gnomAD); In silico analysis supports that this missense variant has a deleterious effect on protein structure/function; Has not been previously published as pathogenic or benign to our knowledge